The following is an entry in ClinVar:

ClinVar aggregate classification (germline): Benign. Review status: criteria provided, multiple submitters, no conflicts (2 of 4 stars). 2 submissions from 2 submitters: Benign (2). Last evaluated 2020-04-27.

Allele frequency attached by ClinVar (database versions not stated): 1000 Genomes Project 30x 0.09525; 1000 Genomes Project 0.09565; TOPMed 0.09883; ESP Exome Variant Server 0.09917; gnomAD 0.10118 and 0.10275; ExAC 0.12833; gnomAD exomes 0.12997 and 0.13165.
gnomAD v4.1: 208,039 of 1,613,840 alleles (13%); highest among the groups gnomAD compares: Admixed American, 14%; 14,301 homozygotes.

Submissions (2):

GeneDx
Classification: Benign. Last evaluated: 2020-04-27. Review status: criteria provided, single submitter. Criteria: GeneDx Variant Classification Process June 2021. Collection method: clinical testing. Allele origin: germline. Affected: yes.
Comment: This variant is associated with the following publications: (PMID: 31448880)

Breakthrough Genomics
Classification: Benign. Review status: criteria provided, single submitter. Criteria: ACMG Guidelines, 2015. Collection method: not provided. Allele origin: germline. Inheritance: Autosomal recessive inheritance. Affected: yes.

NM_001079827.2(CLRN2):c.337C>G (p.Leu113Val)

Gene: CLRN2 (clarin 2; plus strand). Cytogenetic location: 4p15.32.
Variant type: single nucleotide variant.
Coding change: c.337C>G on transcript NM_001079827.2 (MANE Select); coding-DNA position 337, C replaced by G.
Protein change: p.Leu113Val; replaces leucine 113 with valine.
Molecular consequence: missense variant.
Genome position (GRCh38, 1-based): chr4:17,522,947, C>G. VCF-style: chr4-17522947-C-G. GRCh37 (hg19) VCF-style: chr4-17524570-C-G.
Other names: short protein forms L113V.
Identifiers: ClinVar variation 1286756 (VCV001286756.2), dbSNP rs13147559, ClinGen allele CA2868392.